The following is an entry in ClinVar:

NM_001001563.5(TIMM50):c.783C>T (p.Gly261=)

Gene: TIMM50 (translocase of inner mitochondrial membrane 50; plus strand). Cytogenetic location: 19q13.2.
Variant type: single nucleotide variant.
Coding change: c.783C>T on transcript NM_001001563.5 (MANE Select); coding-DNA position 783, C replaced by T.
Protein change: p.Gly261=; no amino-acid change (glycine 261 retained).
Molecular consequence: synonymous variant.
Genome position (GRCh38, 1-based): chr19:39,488,147, C>T. VCF-style: chr19-39488147-C-T. GRCh37 (hg19) VCF-style: chr19-39978787-C-T.
Other names: c.444C>T, p.Gly148= (NM_001329559.2).
Identifiers: ClinVar variation 1579434 (VCV001579434.15), dbSNP rs201425913, ClinGen allele CA9431962.

ClinVar aggregate classification (germline): Likely benign. Review status: criteria provided, multiple submitters, no conflicts (2 of 4 stars). 2 submissions from 2 submitters: Likely benign (2). Last evaluated 2026-02-01.

Allele frequency attached by ClinVar (database versions not stated): TOPMed 0.00015; gnomAD 0.00016 and 0.00018; gnomAD exomes 0.00023 and 0.00027; ExAC 0.00031; 1000 Genomes Project 0.00040; 1000 Genomes Project 30x 0.00047.
gnomAD v4.1: 372 of 1,614,080 alleles (0.023%); highest among the groups gnomAD compares: South Asian, 0.098%; no homozygotes.

Submissions (2):

Labcorp Genetics (formerly Invitae), Labcorp
Classification: Likely benign. Last evaluated: 2026-02-01. Review status: criteria provided, single submitter. Criteria: Invitae Variant Classification Sherloc (09022015). Collection method: clinical testing. Allele origin: germline.

CeGaT Center for Human Genetics Tuebingen
Classification: Likely benign. Last evaluated: 2025-09-01. Review status: criteria provided, single submitter. Criteria: CeGaT Center For Human Genetics Tuebingen Variant Classification Criteria Version 2. Collection method: clinical testing. Allele origin: germline. Affected: yes. Observed: 1 variant allele.
Comment: TIMM50: BP4, BP7